The following is an entry in ClinVar:

NM_001252024.2(TRPM1):c.4414G>A (p.Gly1472Ser)

Gene: TRPM1 (transient receptor potential cation channel subfamily M member 1; minus strand). Cytogenetic location: 15q13.3.
Variant type: single nucleotide variant.
Coding change: c.4414G>A on transcript NM_001252024.2 (MANE Select); coding-DNA position 4414, G replaced by A.
Protein change: p.Gly1472Ser; replaces glycine 1472 with serine.
Molecular consequence: missense variant.
Genome position (GRCh38, 1-based): chr15:31,002,286, C>T on the plus strand (G>A on the coding strand, the complement: TRPM1 is on the minus strand). VCF-style: chr15-31002286-C-T. GRCh37 (hg19) VCF-style: chr15-31294489-C-T.
Other names: c.4465G>A, p.Gly1489Ser (NM_001252020.2); c.4348G>A, p.Gly1450Ser (NM_002420.6); short protein forms G1450S, G1489S, G1472S.
Identifiers: ClinVar variation 1904903 (VCV001904903.5), dbSNP rs1295339900, ClinGen allele CA391524423.

ClinVar aggregate classification (germline): Uncertain significance (1 of 4 stars; one submission).

Allele frequency attached by ClinVar (database versions not stated): gnomAD 0.00001.
gnomAD v4.1: 17 of 1,614,084 alleles (0.0011%); highest among the groups gnomAD compares: South Asian, 0.0033%; no homozygotes.

Submission:

Labcorp Genetics (formerly Invitae), Labcorp
Classification: Uncertain significance. Last evaluated: 2022-08-21. Review status: criteria provided, single submitter. Criteria: Invitae Variant Classification Sherloc (09022015). Collection method: clinical testing. Allele origin: germline.
Comment: This sequence change replaces glycine, which is neutral and non-polar, with serine, which is neutral and polar, at codon 1450 of the TRPM1 protein (p.Gly1450Ser). In summary, the available evidence is currently insufficient to determine the role of this variant in disease. Therefore, it has been classified as a Variant of Uncertain Significance. Algorithms developed to predict the effect of missense changes on protein structure and function output the following: SIFT: "Tolerated"; PolyPhen-2: "Benign"; Align-GVGD: "Class C0". The serine amino acid residue is found in multiple mammalian species, which suggests that this missense change does not adversely affect protein function. This variant has not been reported in the literature in individuals affected with TRPM1-related conditions. This variant is present in population databases (no rsID available, gnomAD 0.003%).